The following is an entry in ClinVar:

NM_181078.3(IL21R):c.213C>T (p.Ala71=)

Gene: IL21R (interleukin 21 receptor; plus strand). Cytogenetic location: 16p12.1.
Variant type: single nucleotide variant.
Coding change: c.213C>T on transcript NM_181078.3 (MANE Select); coding-DNA position 213, C replaced by T.
Protein change: p.Ala71=; no amino-acid change (alanine 71 retained).
Molecular consequence: synonymous variant.
Genome position (GRCh38, 1-based): chr16:27,437,548, C>T. VCF-style: chr16-27437548-C-T. GRCh37 (hg19) VCF-style: chr16-27448869-C-T.
Other names: c.213C>T (NM_021798.3); c.213C>T, p.Ala71= (NM_021798.4); c.279C>T, p.Ala93= (NM_181079.5).
Identifiers: ClinVar variation 1529528 (VCV001529528.10), dbSNP rs529309087, ClinGen allele CA7974919.

ClinVar aggregate classification (germline): Likely benign. Review status: criteria provided, single submitter (1 of 4 stars). 2 submissions from 2 submitters: Likely benign (1). 1 of the submissions does not count toward it. Last evaluated 2024-03-23.

Conditions:
Cryptosporidiosis-chronic cholangitis-liver disease syndrome. Also called: Immunodeficiency type 56; IL21R immunodeficiency. Identifiers: Orphanet 357329, MedGen C3554687, MONDO:0014082, OMIM 615207.
IL21R-related disorder. Also called: IL21R-related condition.

Allele frequency attached by ClinVar (database versions not stated): TOPMed below 0.00001; gnomAD 0.00001; gnomAD exomes 0.00004 and 0.00009; ExAC 0.00012; 1000 Genomes Project 30x 0.00016; 1000 Genomes Project 0.00020.
gnomAD v4.1: 54 of 1,614,178 alleles (0.0033%); highest among the groups gnomAD compares: South Asian, 0.056%; 1 homozygote.

Submissions (2):

Labcorp Genetics (formerly Invitae), Labcorp
Classification: Likely benign for Cryptosporidiosis-chronic cholangitis-liver disease syndrome. Last evaluated: 2024-03-23. Review status: criteria provided, single submitter. Criteria: Invitae Variant Classification Sherloc (09022015). Collection method: clinical testing. Allele origin: germline.

PreventionGenetics, part of Exact Sciences
Classification: Likely benign for IL21R-related condition. Last evaluated: 2019-05-08. Review status: no assertion criteria provided. Collection method: clinical testing. Allele origin: germline. Not counted in ClinVar's aggregate classification.
Comment: This variant is classified as likely benign based on ACMG/AMP sequence variant interpretation guidelines (Richards et al. 2015 PMID: 25741868, with internal and published modifications).